The following is an entry in ClinVar:

ClinVar aggregate classification (germline): Uncertain significance (1 of 4 stars; one submission).

Conditions:
Landau-Kleffner syndrome (FESD). Also called: APHASIA, ACQUIRED, WITH EPILEPSY; EPILEPSY, FOCAL, WITH SPEECH DISORDER AND WITH OR WITHOUT MENTAL RETARDATION. Identifiers: Orphanet 1945, Orphanet 725, Orphanet 98818, MedGen C0282512, MONDO:0009509, OMIM 245570.

Submission:

Labcorp Genetics (formerly Invitae), Labcorp
Classification: Uncertain significance for Landau-Kleffner syndrome. Last evaluated: 2020-12-01. Review status: criteria provided, single submitter. Criteria: Invitae Variant Classification Sherloc (09022015). Collection method: clinical testing. Allele origin: germline.
Comment: This sequence change replaces leucine with proline at codon 276 of the GRIN2A protein (p.Leu276Pro). The leucine residue is moderately conserved and there is a moderate physicochemical difference between leucine and proline. This variant is not present in population databases (ExAC no frequency). This variant has been observed in individual(s) with clinical features of GRIN2A-related conditions (Invitae). Advanced modeling of protein sequence and biophysical properties (such as structural, functional, and spatial information, amino acid conservation, physicochemical variation, residue mobility, and thermodynamic stability) performed at Invitae indicates that this missense variant is not expected to disrupt GRIN2A protein function. In summary, the available evidence is currently insufficient to determine the role of this variant in disease. Therefore, it has been classified as a Variant of Uncertain Significance.

NM_001134407.3(GRIN2A):c.827T>C (p.Leu276Pro)

Gene: GRIN2A (glutamate ionotropic receptor NMDA type subunit 2A; minus strand). Cytogenetic location: 16p13.2.
Variant type: single nucleotide variant.
Coding change: c.827T>C on transcript NM_001134407.3 (MANE Select); coding-DNA position 827, T replaced by C.
Protein change: p.Leu276Pro; replaces leucine 276 with proline.
Molecular consequence: missense variant.
Genome position (GRCh38, 1-based): chr16:9,938,139, A>G on the plus strand (T>C on the coding strand, the complement: GRIN2A is on the minus strand). VCF-style: chr16-9938139-A-G. GRCh37 (hg19) VCF-style: chr16-10031996-A-G.
Other names: c.827T>C, p.Leu276Pro (NM_001134408.2, NM_000833.5); short protein forms L276P.
Identifiers: ClinVar variation 1035486 (VCV001035486.12), dbSNP rs2044759550, ClinGen allele CA394798413.